The following is an entry in ClinVar:

ClinVar aggregate classification (germline): Uncertain significance (1 of 4 stars; one submission).

Allele frequency attached by ClinVar (database versions not stated): TOPMed below 0.00001.
gnomAD v4.1: 2 of 1,614,166 alleles (0.00012%); highest among the groups gnomAD compares: South Asian, 0.0011%; no homozygotes.

Submission:

Labcorp Genetics (formerly Invitae), Labcorp
Classification: Uncertain significance. Last evaluated: 2025-05-12. Review status: criteria provided, single submitter. Criteria: Invitae Variant Classification Sherloc (09022015). Collection method: clinical testing. Allele origin: germline.
Comment: This sequence change replaces arginine, which is basic and polar, with tryptophan, which is neutral and slightly polar, at codon 486 of the ABCC8 protein (p.Arg486Trp). This variant is not present in population databases (gnomAD no frequency). This variant has not been reported in the literature in individuals affected with ABCC8-related conditions. ClinVar contains an entry for this variant (Variation ID: 3022785). Invitae Evidence Modeling of protein sequence and biophysical properties (such as structural, functional, and spatial information, amino acid conservation, physicochemical variation, residue mobility, and thermodynamic stability) has been performed for this missense variant. However, the output from this modeling did not meet the statistical confidence thresholds required to predict the impact of this variant on ABCC8 protein function. In summary, the available evidence is currently insufficient to determine the role of this variant in disease. Therefore, it has been classified as a Variant of Uncertain Significance.

NM_000352.6(ABCC8):c.1456C>T (p.Arg486Trp)

Gene: ABCC8 (ATP binding cassette subfamily C member 8; minus strand). Cytogenetic location: 11p15.1.
Variant type: single nucleotide variant.
Coding change: c.1456C>T on transcript NM_000352.6 (MANE Select); coding-DNA position 1456, C replaced by T.
Protein change: p.Arg486Trp; replaces arginine 486 with tryptophan.
Molecular consequence: missense variant. On other transcripts: non-coding transcript variant (1).
Genome position (GRCh38, 1-based): chr11:17,443,189, G>A on the plus strand (C>T on the coding strand, the complement: ABCC8 is on the minus strand). VCF-style: chr11-17443189-G-A. GRCh37 (hg19) VCF-style: chr11-17464736-G-A.
Other names: c.1456C>T, p.Arg486Trp (NM_001287174.3, NM_001351295.2); c.1453C>T, p.Arg485Trp (NM_001351296.2, NM_001351297.2); short protein forms R486W, R485W.
Identifiers: ClinVar variation 3022785 (VCV003022785.3), dbSNP rs950691063, ClinGen allele CA379766903.